The following is an entry in ClinVar:

NM_006580.4(CLDN16):c.547C>T (p.Leu183Phe)

Gene: CLDN16 (claudin 16; plus strand). Cytogenetic location: 3q28.
Variant type: single nucleotide variant.
Coding change: c.547C>T on transcript NM_006580.4 (MANE Select); coding-DNA position 547, C replaced by T.
Protein change: p.Leu183Phe; replaces leucine 183 with phenylalanine.
Molecular consequence: missense variant.
Genome position (GRCh38, 1-based): chr3:190,408,478, C>T. VCF-style: chr3-190408478-C-T. GRCh37 (hg19) VCF-style: chr3-190126267-C-T.
Other names: c.547C>T, p.Leu183Phe (NM_001378492.1, NM_001378493.1); short protein forms L183F.
Identifiers: ClinVar variation 1923780 (VCV001923780.2), dbSNP rs2473800329, ClinGen allele CA355767367.

ClinVar aggregate classification (germline): Uncertain significance (1 of 4 stars; one submission).

Allele frequency attached by ClinVar (database versions not stated): gnomAD exomes below 0.00001.
gnomAD v4.1: 3 of 1,613,976 alleles (0.00019%); highest among the groups gnomAD compares: Non-Finnish European, 0.00017%; no homozygotes.

Submission:

Labcorp Genetics (formerly Invitae), Labcorp
Classification: Uncertain significance. Last evaluated: 2022-08-20. Review status: criteria provided, single submitter. Criteria: Invitae Variant Classification Sherloc (09022015). Collection method: clinical testing. Allele origin: germline.
Comment: This sequence change replaces leucine, which is neutral and non-polar, with phenylalanine, which is neutral and non-polar, at codon 253 of the CLDN16 protein (p.Leu253Phe). This variant is not present in population databases (gnomAD no frequency). This variant has not been reported in the literature in individuals affected with CLDN16-related conditions. Algorithms developed to predict the effect of missense changes on protein structure and function are either unavailable or do not agree on the potential impact of this missense change (SIFT: "Deleterious"; PolyPhen-2: "Probably Damaging"; Align-GVGD: "Class C0"). In summary, the available evidence is currently insufficient to determine the role of this variant in disease. Therefore, it has been classified as a Variant of Uncertain Significance.